The following is an entry in ClinVar:

NM_022893.4(BCL11A):c.254C>A (p.Pro85His)

Gene: BCL11A (BCL11 transcription factor A; minus strand). Cytogenetic location: 2p16.1.
Variant type: single nucleotide variant.
Coding change: c.254C>A on transcript NM_022893.4 (MANE Select); coding-DNA position 254, C replaced by A.
Protein change: p.Pro85His; replaces proline 85 with histidine.
Molecular consequence: missense variant. On other transcripts: 5 prime UTR variant (7).
Genome position (GRCh38, 1-based): chr2:60,546,102, G>T on the plus strand (C>A on the coding strand, the complement: BCL11A is on the minus strand). VCF-style: chr2-60546102-G-T. GRCh37 (hg19) VCF-style: chr2-60773237-G-T.
Other names: c.254C>A, p.Pro85His (NM_001363864.1, NM_001365609.1, NM_001405708.1 and 10 more transcripts); c.98C>A, p.Pro33His (NM_001405713.1, NM_001405714.1, NM_001405715.1 and 10 more transcripts); c.-172C>A (NM_001405720.1, NM_001405721.1); c.-422C>A (NM_001405725.1, NM_001405726.1, NM_001405731.1); c.-279C>A (NM_001405727.1, NM_001405728.1); short protein forms P33H, P85H.
Identifiers: ClinVar variation 3344098 (VCV003344098.1).

ClinVar aggregate classification (germline): Uncertain significance (0 of 4 stars; one submission).

Conditions:
BCL11A-related disorder. Also called: BCL11A-related condition.

Submission:

PreventionGenetics, part of Exact Sciences
Classification: Uncertain significance for BCL11A-related condition. Last evaluated: 2024-05-01. Review status: no assertion criteria provided. Collection method: clinical testing. Allele origin: germline.
Comment: The BCL11A c.254C>A variant is predicted to result in the amino acid substitution p.Pro85His. To our knowledge, this variant has not been reported in the literature or in a large population database, indicating this variant is rare. At this time, the clinical significance of this variant is uncertain due to the absence of conclusive functional and genetic evidence.